The following is an entry in ClinVar:

NM_152424.4(AMER1):c.401A>T (p.His134Leu)

Gene: AMER1 (APC membrane recruitment protein 1; minus strand). Cytogenetic location: Xq11.2.
Variant type: single nucleotide variant.
Coding change: c.401A>T on transcript NM_152424.4 (MANE Select); coding-DNA position 401, A replaced by T.
Protein change: p.His134Leu; replaces histidine 134 with leucine.
Molecular consequence: missense variant.
Genome position (GRCh38, 1-based): chrX:64,192,886, T>A on the plus strand (A>T on the coding strand, the complement: AMER1 is on the minus strand). VCF-style: chrX-64192886-T-A. GRCh37 (hg19) VCF-style: chrX-63412766-T-A.
Other names: short protein forms H134L.
Identifiers: ClinVar variation 1721045 (VCV001721045.6), dbSNP rs146489129, ClinGen allele CA10432490.
Genomic context (GRCh38, chrX:64,192,886, plus strand): 5'-GCTTTCTCTGTGGCTCCAGCCACAGATGTCTTACATCTGGAGCCTGTCTCCAAAGCCCCA[T>A]GGGCACTCTGAGAGCTGGGAAATTGGCAGGGTAACTCAGGCAAAGGCAGGGAGAAGCCAG-3'
Protein context (NP_689637.3, residues 124-144): PCQFPSSQSA[His134Leu]GALETGSRCK

ClinVar aggregate classification (germline): Uncertain significance. Review status: criteria provided, multiple submitters, no conflicts (2 of 4 stars). 2 submissions from 2 submitters: Uncertain significance (2). Last evaluated 2022-10-05.

Conditions:
Intellectual disability. Also called: intellectual disabilities; Intellectual functioning disability; Intellectual developmental disorder. Identifiers: MedGen C3714756, MeSH D008607, MONDO:0001071, HP:0001249.

Submissions (2):

Labcorp Genetics (formerly Invitae), Labcorp
Classification: Uncertain significance. Last evaluated: 2022-10-05. Review status: criteria provided, single submitter. Criteria: Invitae Variant Classification Sherloc (09022015). Collection method: clinical testing. Allele origin: germline.
Comment: This variant has not been reported in the literature in individuals affected with AMER1-related conditions. Algorithms developed to predict the effect of missense changes on protein structure and function (SIFT, PolyPhen-2, Align-GVGD) all suggest that this variant is likely to be tolerated. In summary, the available evidence is currently insufficient to determine the role of this variant in disease. Therefore, it has been classified as a Variant of Uncertain Significance. This variant is present in population databases (rs146489129, gnomAD 0.004%). This sequence change replaces histidine, which is basic and polar, with leucine, which is neutral and non-polar, at codon 134 of the AMER1 protein (p.His134Leu).

Cambridge Genomics Laboratory, East Genomic Laboratory Hub, NHS Genomic Medicine Service
Classification: Uncertain significance for Intellectual disability. Last evaluated: 2019-09-17. Review status: criteria provided, single submitter. Criteria: ACGS Best Practice Guidelines for Variant Classification in Rare Disease 2020. Collection method: clinical testing. Allele origin: germline. Affected: yes. Observed: 1 variant allele.